The following is an entry in ClinVar:

ClinVar aggregate classification (germline): Uncertain significance (0 of 4 stars; one submission).

Conditions:
NIPBL-related disorder. Also called: NIPBL-related condition.

Submission:

PreventionGenetics, part of Exact Sciences
Classification: Uncertain significance for NIPBL-related condition. Last evaluated: 2024-03-28. Review status: no assertion criteria provided. Collection method: clinical testing. Allele origin: germline.
Comment: The NIPBL c.4192T>G variant is predicted to result in the amino acid substitution p.Ser1398Ala. To our knowledge, this variant has not been reported in the literature or in a large population database, indicating this variant is rare. At this time, the clinical significance of this variant is uncertain due to the absence of conclusive functional and genetic evidence.

NM_133433.4(NIPBL):c.4192T>G (p.Ser1398Ala)

Gene: NIPBL (NIPBL cohesin loading factor; plus strand). Cytogenetic location: 5p13.2.
Variant type: single nucleotide variant.
Coding change: c.4192T>G on transcript NM_133433.4 (MANE Select); coding-DNA position 4192, T replaced by G.
Protein change: p.Ser1398Ala; replaces serine 1398 with alanine.
Molecular consequence: missense variant.
Genome position (GRCh38, 1-based): chr5:37,007,427, T>G. VCF-style: chr5-37007427-T-G. GRCh37 (hg19) VCF-style: chr5-37007529-T-G.
Other names: c.4192T>G, p.Ser1398Ala (NM_015384.5); short protein forms S1398A.
Identifiers: ClinVar variation 3348458 (VCV003348458.1).